The following is an entry in ClinVar:

NM_000815.5(GABRD):c.635C>A (p.Ala212Glu)

Gene: GABRD (gamma-aminobutyric acid type A receptor subunit delta; plus strand). Cytogenetic location: 1p36.33.
Variant type: single nucleotide variant.
Coding change: c.635C>A on transcript NM_000815.5 (MANE Select); coding-DNA position 635, C replaced by A.
Protein change: p.Ala212Glu; replaces alanine 212 with glutamic acid.
Molecular consequence: missense variant.
Genome position (GRCh38, 1-based): chr1:2,028,236, C>A. VCF-style: chr1-2028236-C-A. GRCh37 (hg19) VCF-style: chr1-1959675-C-A.
Other names: short protein forms A212E.
Identifiers: ClinVar variation 3852466 (VCV003852466.1).

ClinVar aggregate classification (germline): Uncertain significance (1 of 4 stars; one submission).

Conditions:
Inborn genetic diseases. Identifiers: MedGen C0950123, MeSH D030342.

Submission:

Ambry Genetics
Classification: Uncertain significance for Inborn genetic diseases. Last evaluated: 2025-02-20. Review status: criteria provided, single submitter. Criteria: Ambry Variant Classification Scheme 2023. Collection method: clinical testing. Allele origin: germline.
Comment: The c.635C>A (p.A212E) alteration is located in exon 6 (coding exon 6) of the GABRD gene. This alteration results from a C to A substitution at nucleotide position 635, causing the alanine (A) at amino acid position 212 to be replaced by a glutamic acid (E). This variant was not reported in population-based cohorts in the Genome Aggregation Database (gnomAD). Anther variant at the same codon, c.635C>T (p.A212V), has been identified in individuals with features consistent with GABRD-related neurodevelopmental disorder; in at least one individual, it was determined to be de novo (external communication). This amino acid position is not well conserved in available vertebrate species. The in silico prediction for this alteration is inconclusive. Based on insufficient or conflicting evidence, the clinical significance of this alteration remains unclear.